The following is an entry in ClinVar:

NM_138615.3(DHX30):c.1559G>C (p.Arg520Pro)

Gene: DHX30 (DExH-box helicase 30; plus strand). Cytogenetic location: 3p21.31.
Variant type: single nucleotide variant.
Coding change: c.1559G>C on transcript NM_138615.3 (MANE Select); coding-DNA position 1559, G replaced by C.
Protein change: p.Arg520Pro; replaces arginine 520 with proline.
Molecular consequence: missense variant.
Genome position (GRCh38, 1-based): chr3:47,846,631, G>C. VCF-style: chr3-47846631-G-C. GRCh37 (hg19) VCF-style: chr3-47888121-G-C.
Other names: c.1475G>C, p.Arg492Pro (NM_001330990.2); c.1442G>C, p.Arg481Pro (NM_014966.4); short protein forms R481P, R492P, R520P.
Identifiers: ClinVar variation 3764600 (VCV003764600.1).
Genomic context (GRCh38, chr3:47,846,631, plus strand): 5'-CACAGCGGGTCAGCCACGAACTGGGCCCCTCCCTGCGCCGGAATGTGGGCTTCCAGGTGC[G>C]GTTGGAAAGTAAGCCCCCATCCCGAGGCGGGGCCCTGCTCTTCTGCACTGTGGGTATCCT-3'
Protein context (NP_619520.1, residues 510-530): SLRRNVGFQV[Arg520Pro]LESKPPSRGG

ClinVar aggregate classification (germline): Uncertain significance (1 of 4 stars; one submission).

Conditions:
Neurodevelopmental disorder with severe motor impairment and absent language. Also called: NEURODEVELOPMENTAL DISORDER WITH VARIABLE MOTOR AND LANGUAGE IMPAIRMENT. Identifiers: Orphanet 647788, MedGen C4540496, MONDO:0060622, OMIM 617804.

Submission:

Daryl Scott Lab, Baylor College of Medicine
Classification: Uncertain significance for Neurodevelopmental disorder with severe motor impairment and absent language. Last evaluated: 2024-01-01. Review status: criteria provided, single submitter. Criteria: ACMG Guidelines, 2015. Collection method: clinical testing. Allele origin: unknown. Observed: 1 heterozygote.
Comment: PM2, PP3